The following is an entry in ClinVar:

ClinVar aggregate classification (germline): Conflicting classifications of pathogenicity. Review status: criteria provided, conflicting classifications (1 of 4 stars). 3 submissions from 3 submitters: Uncertain significance (2); Benign (1). Last evaluated 2024-04-16.

Conditions:
Hereditary nonpolyposis colorectal neoplasms. Identifiers: MedGen C0009405, MeSH D003123.
Hereditary cancer-predisposing syndrome. Also called: Hereditary neoplastic syndrome; Tumor predisposition; Neoplastic Syndromes, Hereditary; Hereditary Cancer Syndrome. Identifiers: Orphanet 140162, MedGen C0027672, MeSH D009386, MONDO:0015356.

Allele frequency attached by ClinVar (database versions not stated): gnomAD 0.00005 and 0.00006; TOPMed 0.00012.
gnomAD v4.1: 14 of 1,614,044 alleles (0.00087%); highest among the groups gnomAD compares: Admixed American, 0.023%; no homozygotes.

Submissions (3):

Ambry Genetics
Classification: Uncertain significance for Hereditary cancer-predisposing syndrome. Last evaluated: 2024-04-16. Review status: criteria provided, single submitter. Criteria: Ambry Variant Classification Scheme 2023. Collection method: clinical testing. Allele origin: germline.
Comment: The p.G624D variant (also known as c.1871G>A), located in coding exon 4 of the MSH6 gene, results from a G to A substitution at nucleotide position 1871. The glycine at codon 624 is replaced by aspartic acid, an amino acid with similar properties. This amino acid position is well conserved in available vertebrate species. In addition, the in silico prediction for this alteration is inconclusive. Based on the available evidence, the clinical significance of this variant remains unclear.

Labcorp Genetics (formerly Invitae), Labcorp
Classification: Benign for Hereditary nonpolyposis colorectal neoplasms. Last evaluated: 2023-07-25. Review status: criteria provided, single submitter. Criteria: Invitae Variant Classification Sherloc (09022015). Collection method: clinical testing. Allele origin: germline.

Color Diagnostics, LLC DBA Color Health
Classification: Uncertain significance for Hereditary cancer-predisposing syndrome. Last evaluated: 2021-10-11. Review status: criteria provided, single submitter. Criteria: ACMG Guidelines, 2015. Collection method: clinical testing. Allele origin: germline.
Comment: This missense variant replaces glycine with aspartic acid at codon 624 of the MSH6 protein. Computational prediction suggests that this variant may not impact protein structure and function (internally defined REVEL score threshold <= 0.5, PMID: 27666373). To our knowledge, functional studies have not been reported for this variant. This variant has not been reported in individuals affected with hereditary cancer in the literature. This variant has been identified in 7/250388 chromosomes in the general population by the Genome Aggregation Database (gnomAD). The available evidence is insufficient to determine the role of this variant in disease conclusively. Therefore, this variant is classified as a Variant of Uncertain Significance.

NM_000179.3(MSH6):c.1871G>A (p.Gly624Asp)

Gene: MSH6 (mutS homolog 6; plus strand). Cytogenetic location: 2p16.3.
Variant type: single nucleotide variant.
Coding change: c.1871G>A on transcript NM_000179.3 (MANE Select); coding-DNA position 1871, G replaced by A.
Protein change: p.Gly624Asp; replaces glycine 624 with aspartic acid.
Molecular consequence: missense variant.
Genome position (GRCh38, 1-based): chr2:47,799,854, G>A. VCF-style: chr2-47799854-G-A. GRCh37 (hg19) VCF-style: chr2-48026993-G-A.
Other names: c.1481G>A, p.Gly494Asp (NM_001281492.2); c.965G>A, p.Gly322Asp (NM_001281493.2, NM_001281494.2); short protein forms G624D, G322D, G494D.
Identifiers: ClinVar variation 571317 (VCV000571317.16), dbSNP rs763606858, ClinGen allele CA346749907.